The following is an entry in ClinVar:

ClinVar aggregate classification (germline): Uncertain significance. Review status: criteria provided, multiple submitters, no conflicts (2 of 4 stars). 3 submissions from 3 submitters: Uncertain significance (2). 1 of the submissions does not count toward it. Last evaluated 2026-01-18.

Conditions:
Dyskeratosis congenita, autosomal recessive 5 (DKCB5). Identifiers: MedGen C3554656, MONDO:0014076, OMIM 615190.
Pulmonary fibrosis and/or bone marrow failure, Telomere-related, 3. Also called: PULMONARY FIBROSIS AND/OR BONE MARROW FAILURE SYNDROME, TELOMERE-RELATED, 3. Identifiers: Orphanet 2032, MedGen C4225346, MONDO:0014613, OMIM 616373.
Dyskeratosis congenita. Identifiers: Orphanet 1775, MedGen C0265965, MONDO:0015780.
RTEL1-related disorder. Also called: RTEL1-related disorders; RTEL1-related condition.

Allele frequency attached by ClinVar (database versions not stated): TOPMed 0.00001; ExAC 0.00002; ESP Exome Variant Server 0.00015.
gnomAD v4.1: 18 of 1,613,844 alleles (0.0011%); highest among the groups gnomAD compares: East Asian, 0.0045%; no homozygotes.

Submissions (3):

Labcorp Genetics (formerly Invitae), Labcorp
Classification: Uncertain significance for Dyskeratosis congenita, autosomal recessive 5; Pulmonary fibrosis and/or bone marrow failure, Telomere-related, 3. Last evaluated: 2026-01-18. Review status: criteria provided, single submitter. Criteria: Invitae Variant Classification Sherloc (09022015). Collection method: clinical testing. Allele origin: germline.
Comment: This sequence change replaces arginine, which is basic and polar, with histidine, which is basic and polar, at codon 164 of the RTEL1 protein (p.Arg164His). This variant is present in population databases (rs377176432, gnomAD 0.003%). This variant has not been reported in the literature in individuals affected with RTEL1-related conditions. ClinVar contains an entry for this variant (Variation ID: 966783). An algorithm developed to predict the effect of missense changes on protein structure and function (PolyPhen-2) suggests that this variant is likely to be disruptive. In summary, the available evidence is currently insufficient to determine the role of this variant in disease. Therefore, it has been classified as a Variant of Uncertain Significance.

PreventionGenetics, part of Exact Sciences
Classification: Uncertain significance for RTEL1-related condition. Last evaluated: 2023-07-12. Review status: criteria provided, single submitter. Criteria: ACMG Guidelines, 2015. Collection method: clinical testing. Allele origin: germline.
Comment: The RTEL1 c.563G>A variant is predicted to result in the amino acid substitution p.Arg188His. This variant was reported in an individual with breast cancer; however, this variant was also described on two apparently healthy controls (Girard et al. 2019. PubMed ID: 30303537, reported as p.R164H, supplementary data). This variant is reported in 0.0033% of alleles in individuals of South Asian descent in gnomAD. At this time, the clinical significance of this variant is uncertain due to the absence of conclusive functional and genetic evidence.

Natera, Inc.
Classification: Uncertain significance for Dyskeratosis congenita. Last evaluated: 2021-06-10. Review status: no assertion criteria provided. Collection method: clinical testing. Allele origin: germline. Not counted in ClinVar's aggregate classification.

NM_001283009.2(RTEL1):c.491G>A (p.Arg164His)

Genes: RTEL1 (regulator of telomere elongation helicase 1; plus strand), RTEL1-TNFRSF6B (RTEL1-TNFRSF6B readthrough (NMD candidate); plus strand). Cytogenetic location: 20q13.33.
Variant type: single nucleotide variant.
Coding change: c.491G>A on transcript NM_001283009.2 (MANE Select); coding-DNA position 491, G replaced by A.
Protein change: p.Arg164His; replaces arginine 164 with histidine.
Molecular consequence: missense variant. On other transcripts: non-coding transcript variant (1), 5 prime UTR variant (1).
Genome position (GRCh38, 1-based): chr20:63,662,842, G>A. VCF-style: chr20-63662842-G-A. GRCh37 (hg19) VCF-style: chr20-62294195-G-A.
Other names: c.563G>A (NM_032957.4); c.-179G>A (NM_001283010.1); c.491G>A, p.Arg164His (NM_016434.4); c.563G>A, p.Arg188His (NM_032957.5); short protein forms R188H, R164H.
Identifiers: ClinVar variation 966783 (VCV000966783.7), dbSNP rs377176432, ClinGen allele CA9964302.